The following is an entry in ClinVar:

ClinVar aggregate classification (germline): Uncertain significance (1 of 4 stars; one submission).

Conditions:
Familial focal epilepsy with variable foci (FPEVF). Identifiers: Orphanet 98820, MedGen C1858477, MONDO:0020310.

gnomAD v4.1: 2 of 1,613,076 alleles (0.00012%); highest among the groups gnomAD compares: African/African-American, 0.0027%; no homozygotes.

Submission:

Labcorp Genetics (formerly Invitae), Labcorp
Classification: Uncertain significance for Familial focal epilepsy with variable foci. Last evaluated: 2024-02-22. Review status: criteria provided, single submitter. Criteria: Invitae Variant Classification Sherloc (09022015). Collection method: clinical testing. Allele origin: germline.
Comment: This sequence change replaces aspartic acid, which is acidic and polar, with tyrosine, which is neutral and polar, at codon 715 of the DEPDC5 protein (p.Asp715Tyr). This variant is not present in population databases (gnomAD no frequency). This variant has not been reported in the literature in individuals affected with DEPDC5-related conditions. Experimental studies and prediction algorithms are not available or were not evaluated, and the functional significance of this variant is currently unknown. In summary, the available evidence is currently insufficient to determine the role of this variant in disease. Therefore, it has been classified as a Variant of Uncertain Significance.

NM_001242896.3(DEPDC5):c.2143G>T (p.Asp715Tyr)

Gene: DEPDC5 (DEP domain containing 5, GATOR1 subcomplex subunit; plus strand). Cytogenetic location: 22q12.3.
Variant type: single nucleotide variant.
Coding change: c.2143G>T on transcript NM_001242896.3 (MANE Select); coding-DNA position 2143, G replaced by T.
Protein change: p.Asp715Tyr; replaces aspartic acid 715 with tyrosine.
Molecular consequence: missense variant. On other transcripts: non-coding transcript variant (5).
Genome position (GRCh38, 1-based): chr22:31,833,953, G>T. VCF-style: chr22-31833953-G-T. GRCh37 (hg19) VCF-style: chr22-32229939-G-T.
Other names: c.2143G>T, p.Asp715Tyr (NM_001364320.2, NM_001369903.1, NM_014662.6 and 3 more transcripts); c.2059G>T, p.Asp687Tyr (NM_001369901.1, NM_001369902.1); c.1909G>T, p.Asp637Tyr (NM_001242897.2, NM_001363854.2, NM_001364319.2); short protein forms D637Y, D687Y, D715Y.
Identifiers: ClinVar variation 3707593 (VCV003707593.2).